The following is an entry in ClinVar:

ClinVar aggregate classification (germline): Likely benign (1 of 4 stars; one submission).

gnomAD v4.1: 2 of 1,611,550 alleles (0.00012%); highest among the groups gnomAD compares: Admixed American, 0.0033%; no homozygotes.

Submission:

CeGaT Center for Human Genetics Tuebingen
Classification: Likely benign. Last evaluated: 2026-06-01. Review status: criteria provided, single submitter. Criteria: CeGaT Center For Human Genetics Tuebingen Variant Classification Criteria Version 2. Collection method: clinical testing. Allele origin: germline. Affected: yes. Observed: 1 variant allele.
Comment: LTBP3: BP4, BP7

NM_001130144.3(LTBP3):c.342T>C (p.Pro114=)

Gene: LTBP3 (latent transforming growth factor beta binding protein 3; minus strand). Cytogenetic location: 11q13.1.
Variant type: single nucleotide variant.
Coding change: c.342T>C on transcript NM_001130144.3 (MANE Select); coding-DNA position 342, T replaced by C.
Protein change: p.Pro114=; no amino-acid change (proline 114 retained).
Molecular consequence: synonymous variant. On other transcripts: 5 prime UTR variant (1).
Genome position (GRCh38, 1-based): chr11:65,554,370, A>G on the plus strand (T>C on the coding strand, the complement: LTBP3 is on the minus strand). VCF-style: chr11-65554370-A-G. GRCh37 (hg19) VCF-style: chr11-65321841-A-G.
Other names: c.-10T>C (NM_001164266.1); c.342T>C, p.Pro114= (NM_021070.4).
Identifiers: ClinVar variation 4872786 (VCV004872786.2).